The following is an entry in ClinVar:

NM_001389.5(DSCAM):c.4690G>A (p.Ala1564Thr)

Gene: DSCAM (DS cell adhesion molecule; minus strand). Cytogenetic location: 21q22.2.
Variant type: single nucleotide variant.
Coding change: c.4690G>A on transcript NM_001389.5 (MANE Select); coding-DNA position 4690, G replaced by A.
Protein change: p.Ala1564Thr; replaces alanine 1564 with threonine.
Molecular consequence: missense variant.
Genome position (GRCh38, 1-based): chr21:40,078,708, C>T on the plus strand (G>A on the coding strand, the complement: DSCAM is on the minus strand). VCF-style: chr21-40078708-C-T. GRCh37 (hg19) VCF-style: chr21-41450635-C-T.
Other names: c.4690G>A, p.Ala1564Thr (NM_001271534.3); short protein forms A1564T.
Identifiers: ClinVar variation 2311844 (VCV002311844.2), dbSNP rs1409515958, ClinGen allele CA410298627.
Genomic context (GRCh38, chr21:40,078,708, plus strand): 5'-AAGACACAAGCAGGAGAGCCACAAAGCCAGCCAGCTTACTGCCATCGTAGTTCAGCGTAG[C>T]GAAGTTGGCCTGCTTCTCCGCGCAGCCCGCACTGTTGCACACCCGCATCTGCAGCTCATA-3'
Protein context (NP_001380.2, residues 1554-1574): AGCAEKQANF[Ala1564Thr]TLNYDGSTIP

ClinVar aggregate classification (germline): Uncertain significance (1 of 4 stars; one submission).

Conditions:
Inborn genetic diseases. Identifiers: MedGen C0950123, MeSH D030342.

Submission:

Ambry Genetics
Classification: Uncertain significance for Inborn genetic diseases. Last evaluated: 2022-09-14. Review status: criteria provided, single submitter. Criteria: Ambry Variant Classification Scheme 2023. Collection method: clinical testing. Allele origin: germline.
Comment: The c.4690G>A (p.A1564T) alteration is located in exon 26 (coding exon 26) of the DSCAM gene. This alteration results from a G to A substitution at nucleotide position 4690, causing the alanine (A) at amino acid position 1564 to be replaced by a threonine (T). This variant was not reported in population-based cohorts in the Genome Aggregation Database (gnomAD). This amino acid position is highly conserved in available vertebrate species. This alteration is predicted to be tolerated by in silico analysis. Based on insufficient or conflicting evidence, the clinical significance of this alteration remains unclear.